The following is an entry in ClinVar:

ClinVar aggregate classification (germline): Uncertain significance (1 of 4 stars; one submission).

Submission:

Labcorp Genetics (formerly Invitae), Labcorp
Classification: Uncertain significance. Last evaluated: 2023-06-09. Review status: criteria provided, single submitter. Criteria: Invitae Variant Classification Sherloc (09022015). Collection method: clinical testing. Allele origin: germline.
Comment: In summary, the available evidence is currently insufficient to determine the role of this variant in disease. Therefore, it has been classified as a Variant of Uncertain Significance. Algorithms developed to predict the effect of sequence changes on RNA splicing suggest that this variant may disrupt the consensus splice site. This variant has not been reported in the literature in individuals affected with COL9A3-related conditions. This variant is present in population databases (no rsID available, gnomAD 0.01%). This sequence change falls in intron 30 of the COL9A3 gene. It does not directly change the encoded amino acid sequence of the COL9A3 protein.

NM_001853.4(COL9A3):c.1772_1786+7dup

Gene: COL9A3 (collagen type IX alpha 3 chain; plus strand). Cytogenetic location: 20q13.33.
Variant type: Duplication.
Coding change: c.1772_1786+7dup on transcript NM_001853.4 (MANE Select); coding-DNA position 1772 through 7 bases into the intron after coding-DNA position 1786, 22 bases duplicated (ACCCCGGGCCCAGAGGTGAGTG).
Molecular consequence: splice donor variant.
Genome position (GRCh38, 1-based): chr20:62,837,251-62,837,272, ACCCCGGGCCCAGAGGTGAGTG duplicated; duplicating any 22 consecutive bases within chr20:62,837,250-62,837,272 gives the same sequence; the c. name uses the placement nearest the transcript's 3' end. VCF-style (leftmost placement, unchanged base first): chr20-62837249-A-AGACCCCGGGCCCAGAGGTGAGT. GRCh37 (hg19) VCF-style: chr20-61468601-A-AGACCCCGGGCCCAGAGGTGAGT.
Identifiers: ClinVar variation 3020218 (VCV003020218.3), dbSNP rs1488538133, ClinGen allele CA636612282.